The following is an entry in ClinVar:

ClinVar aggregate classification (germline): Uncertain significance (1 of 4 stars; one submission).

Conditions:
Developmental and epileptic encephalopathy, 7 (DEE7). Also called: KCNQ2-Related Neonatal-Onset Developmental and Epileptic Encephalopathy (NEO-DEE); KCNQ2-Related Neonatal Epileptic Encephalopathy; Early infantile epileptic encephalopathy 7. Identifiers: Orphanet 439218, MedGen C3150986, MONDO:0013387, OMIM 613720.

Submission:

3billion
Classification: Uncertain significance for Developmental and epileptic encephalopathy, 7. Last evaluated: 2024-01-26. Review status: criteria provided, single submitter. Criteria: ACMG Guidelines, 2015. Collection method: clinical testing. Allele origin: germline. Affected: yes.
Comment: The variant is not observed in the gnomAD v2.1.1 dataset. Predicted Consequence/Location: Intron variant In silico tools predict the variant to alter splicing and produce an abnormal transcript [SpliceAI: 0.21 (>=0.2, moderate evidence for spliceogenicity)]. Therefore, this variant is classified as VUS according to the recommendation of ACMG/AMP guideline.

NM_172107.4(KCNQ2):c.817-45G>A

Gene: KCNQ2 (potassium voltage-gated channel subfamily Q member 2; minus strand). Cytogenetic location: 20q13.33.
Variant type: single nucleotide variant.
Coding change: c.817-45G>A on transcript NM_172107.4 (MANE Select); 45 bases into the intron before coding-DNA position 817, G replaced by A.
Molecular consequence: intron variant.
Genome position (GRCh38, 1-based): chr20:63,439,753, C>T on the plus strand (G>A on the coding strand, the complement: KCNQ2 is on the minus strand). VCF-style: chr20-63439753-C-T. GRCh37 (hg19) VCF-style: chr20-62071106-C-T.
Other names: c.817-45G>A (NM_004518.6, NM_172108.5, NM_172106.3 and 2 more transcripts).
Identifiers: ClinVar variation 3776073 (VCV003776073.1).